The following is an entry in ClinVar:

ClinVar aggregate classification (germline): Likely benign. Review status: criteria provided, multiple submitters, no conflicts (2 of 4 stars). 5 submissions from 5 submitters: Likely benign (4). 1 of the submissions does not count toward it. Last evaluated 2025-12-14.

Conditions:
RYR2-related disorder. Also called: RYR2-related condition.
Catecholaminergic polymorphic ventricular tachycardia 1. Also called: VENTRICULAR TACHYCARDIA, CATECHOLAMINERGIC POLYMORPHIC, 1, WITH OR WITHOUT ATRIAL DYSFUNCTION AND/OR DILATED CARDIOMYOPATHY; VENTRICULAR TACHYCARDIA, STRESS-INDUCED POLYMORPHIC 1; RYR2-Related Catecholaminergic Polymorphic Ventricular Tachycardia. Identifiers: Orphanet 3286, MedGen C1631597, MONDO:0011484, OMIM 604772.
Catecholaminergic polymorphic ventricular tachycardia (CVPT). Also called: Catecholamine-induced polymorphic ventricular tachycardia. Identifiers: Orphanet 3286, MedGen C5574922, MONDO:0017990.
Cardiovascular phenotype. Identifiers: MedGen CN230736.
Cardiomyopathy (CMYO). Also called: Cardiomyopathies. Identifiers: Orphanet 167848, MedGen C0878544, MONDO:0004994, HP:0001638. Inheritance: Various modes of inheritance.

Allele frequency attached by ClinVar (database versions not stated): gnomAD exomes 0.00001; ExAC 0.00003; gnomAD 0.00005 and 0.00007; TOPMed 0.00008; ESP Exome Variant Server 0.00016.
gnomAD v4.1: 29 of 1,613,748 alleles (0.0018%); highest among the groups gnomAD compares: Middle Eastern, 0.033%; no homozygotes.

Submissions (5):

Labcorp Genetics (formerly Invitae), Labcorp
Classification: Likely benign for Catecholaminergic polymorphic ventricular tachycardia 1. Last evaluated: 2025-12-14. Review status: criteria provided, single submitter. Criteria: Invitae Variant Classification Sherloc (09022015). Collection method: clinical testing. Allele origin: germline.

All of Us Research Program, National Institutes of Health
Classification: Likely benign for Catecholaminergic polymorphic ventricular tachycardia. Last evaluated: 2023-11-30. Review status: criteria provided, single submitter. Criteria: ACMG Guidelines, 2015. Collection method: clinical testing. Allele origin: germline. Inheritance: Autosomal dominant inheritance. Observed: 6 variant alleles, 6 heterozygotes.
Comment: This study involves interpretation of variants in research participants for the purpose of population health screening. Participant phenotype was not available at the time of variant classification. Additional details can be found in publication PMID: 35346344, PMCID: PMC8962531

Color Diagnostics, LLC DBA Color Health
Classification: Likely benign for Cardiomyopathy. Last evaluated: 2020-03-09. Review status: criteria provided, single submitter. Criteria: ACMG Guidelines, 2015. Collection method: clinical testing. Allele origin: germline.

Ambry Genetics
Classification: Likely benign for Cardiovascular phenotype. Last evaluated: 2019-09-30. Review status: criteria provided, single submitter. Criteria: Ambry Variant Classification Scheme 2023. Collection method: clinical testing. Allele origin: germline.

PreventionGenetics, part of Exact Sciences
Classification: Likely benign for RYR2-related condition. Last evaluated: 2019-03-20. Review status: no assertion criteria provided. Collection method: clinical testing. Allele origin: germline. Not counted in ClinVar's aggregate classification.
Comment: This variant is classified as likely benign based on ACMG/AMP sequence variant interpretation guidelines (Richards et al. 2015 PMID: 25741868, with internal and published modifications).

NM_001035.3(RYR2):c.12291C>T (p.Asn4097=)

Gene: RYR2 (ryanodine receptor 2; plus strand). Cytogenetic location: 1q43.
Variant type: single nucleotide variant.
Coding change: c.12291C>T on transcript NM_001035.3 (MANE Select); coding-DNA position 12291, C replaced by T.
Protein change: p.Asn4097=; no amino-acid change (asparagine 4097 retained).
Molecular consequence: synonymous variant.
Genome position (GRCh38, 1-based): chr1:237,784,003, C>T. VCF-style: chr1-237784003-C-T. GRCh37 (hg19) VCF-style: chr1-237947303-C-T.
Other names: c.12291C>T (NM_001035.2).
Identifiers: ClinVar variation 926195 (VCV000926195.17), dbSNP rs377313490, ClinGen allele CA085164.
Genomic context (GRCh38, chr1:237,784,003, plus strand): 5'-CCTCGACTACGAAGAGTTCGTCAAACGCTTCCACGAACCTGCGAAGGACATCGGCTTCAA[C>T]GTCGCCGTCCTTCTGACAAACCTCTCTGAGCACATGCCCAACGATACCCGACTTCAGACT-3'
Protein context (NP_001026.2, residues 4087-4107): FHEPAKDIGF[Asn4097=]VAVLLTNLSE